The following is an entry in ClinVar:

ClinVar aggregate classification (germline): Uncertain significance (1 of 4 stars; one submission).

Conditions:
Cornelia de Lange syndrome 4 (CDLS4). Also called: RAD21-Related Cornelia de Lange Syndrome; CORNELIA DE LANGE SYNDROME 4 WITH OR WITHOUT MIDLINE BRAIN DEFECTS. Identifiers: Orphanet 199, MedGen C3553517, MONDO:0013864, OMIM 614701.

Allele frequency attached by ClinVar (database versions not stated): gnomAD exomes below 0.00001; gnomAD 0.00001; TOPMed 0.00001.

Submission:

Labcorp Genetics (formerly Invitae), Labcorp
Classification: Uncertain significance for Cornelia de Lange syndrome 4. Last evaluated: 2022-09-26. Review status: criteria provided, single submitter. Criteria: Invitae Variant Classification Sherloc (09022015). Collection method: clinical testing. Allele origin: germline.
Comment: This sequence change replaces threonine, which is neutral and polar, with alanine, which is neutral and non-polar, at codon 289 of the RAD21 protein (p.Thr289Ala). This variant is present in population databases (no rsID available, gnomAD 0.0009%). This variant has not been reported in the literature in individuals affected with RAD21-related conditions. Advanced modeling of protein sequence and biophysical properties (such as structural, functional, and spatial information, amino acid conservation, physicochemical variation, residue mobility, and thermodynamic stability) performed at Invitae indicates that this missense variant is not expected to disrupt RAD21 protein function. In summary, the available evidence is currently insufficient to determine the role of this variant in disease. Therefore, it has been classified as a Variant of Uncertain Significance.

NM_006265.3(RAD21):c.865A>G (p.Thr289Ala)

Gene: RAD21 (RAD21 cohesin complex component; minus strand). Cytogenetic location: 8q24.11.
Variant type: single nucleotide variant.
Coding change: c.865A>G on transcript NM_006265.3 (MANE Select); coding-DNA position 865, A replaced by G.
Protein change: p.Thr289Ala; replaces threonine 289 with alanine.
Molecular consequence: missense variant.
Genome position (GRCh38, 1-based): chr8:116,856,238, T>C on the plus strand (A>G on the coding strand, the complement: RAD21 is on the minus strand). VCF-style: chr8-116856238-T-C. GRCh37 (hg19) VCF-style: chr8-117868477-T-C.
Other names: short protein forms T289A.
Identifiers: ClinVar variation 2167672 (VCV002167672.4), dbSNP rs1485628801, ClinGen allele CA372002720.
Genomic context (GRCh38, chr8:116,856,238, plus strand): 5'-TAGGCTCCAATGCAAATGCTTCTTCCTCATTTGGAACAAGTGTTGTTTGATCAGTCATGG[T>C]TGGCATTGGTTCAACGGGATCCACTGAATCAGGACTATCAGGCCCACCCACTGTAAAAAA-3'
Protein context (NP_006256.1, residues 279-299): DSVDPVEPMP[Thr289Ala]MTDQTTLVPN